The following is an entry in ClinVar:

ClinVar aggregate classification (germline): Pathogenic. Review status: criteria provided, multiple submitters, no conflicts (2 of 4 stars). 3 submissions from 3 submitters: Pathogenic (3). Last evaluated 2024-03-29.

Conditions:
Neurofibromatosis, type 1 (NF1). Also called: Neurofibromatosis, type I; NEUROFIBROMATOSIS, TYPE I, SOMATIC; VON RECKLINGHAUSEN DISEASE; Peripheral type neurofibromatosis. Identifiers: Orphanet 636, MedGen C0027831, MONDO:0018975, OMIM 162200. Disease mechanism: loss of function.

Submissions (3):

Genomic Medicine Center of Excellence, King Faisal Specialist Hospital and Research Centre
Classification: Pathogenic for Neurofibromatosis, type 1. Last evaluated: 2024-03-29. Review status: criteria provided, single submitter. Criteria: ACMG Guidelines, 2015. Collection method: clinical testing. Allele origin: germline.

Labcorp Genetics (formerly Invitae), Labcorp
Classification: Pathogenic for Neurofibromatosis, type 1. Last evaluated: 2023-04-28. Review status: criteria provided, single submitter. Criteria: Invitae Variant Classification Sherloc (09022015). Collection method: clinical testing. Allele origin: germline.
Comment: For these reasons, this variant has been classified as Pathogenic. Algorithms developed to predict the effect of sequence changes on RNA splicing suggest that this variant may disrupt the consensus splice site. Disruption of this splice site has been observed in individual(s) with neurofibromatosis type I (PMID: 10712197, 31776437). This variant is not present in population databases (gnomAD no frequency). This sequence change affects an acceptor splice site in intron 32 of the NF1 gene. It is expected to disrupt RNA splicing. Variants that disrupt the donor or acceptor splice site typically lead to a loss of protein function (PMID: 16199547), and loss-of-function variants in NF1 are known to be pathogenic (PMID: 10712197, 23913538).

3billion
Classification: Pathogenic for Neurofibromatosis, type 1. Review status: criteria provided, single submitter. Criteria: ACMG Guidelines, 2015. Collection method: clinical testing. Allele origin: unknown. Affected: yes. Observed: 1 heterozygote.
Comment: The variant is not observed in the gnomAD v2.1.1 dataset. The variant is predicted to alter splicing and result in a loss or disruption of normal protein function. Multiple pathogenic loss-of-function variants are reported downstream of the variant. The variant has been reported to be associated with NF1 related disorder (PMID: 31776437). Therefore, this variant is classified as Pathogenic according to the recommendation of ACMG/AMP guideline.

Literature cited by the submitters: PubMed 10712197 (cited by Labcorp Genetics (formerly Invitae), Labcorp); PubMed 31776437 (cited by Labcorp Genetics (formerly Invitae), Labcorp and 3billion); PubMed 16199547 (cited by Labcorp Genetics (formerly Invitae), Labcorp); PubMed 23913538 (cited by Labcorp Genetics (formerly Invitae), Labcorp).

NM_001042492.3(NF1):c.4431-1G>C

Gene: NF1 (neurofibromin 1; plus strand). Cytogenetic location: 17q11.2.
Variant type: single nucleotide variant.
Coding change: c.4431-1G>C on transcript NM_001042492.3 (MANE Select); the canonical splice acceptor site of the intron before coding-DNA position 4431, G replaced by C.
Molecular consequence: splice acceptor variant.
Genome position (GRCh38, 1-based): chr17:31,260,368, G>C. VCF-style: chr17-31260368-G-C. GRCh37 (hg19) VCF-style: chr17-29587386-G-C.
Other names: c.4368-1G>C (NM_000267.3, NM_000267.4).
Identifiers: ClinVar variation 2572394 (VCV002572394.5), dbSNP rs1597746891, ClinGen allele CA398999107.